The following is an entry in ClinVar:

NM_013296.5(GPSM2):c.681+1G>A

Gene: GPSM2 (G protein signaling modulator 2; plus strand). Cytogenetic location: 1p13.3.
Variant type: single nucleotide variant.
Coding change: c.681+1G>A on transcript NM_013296.5 (MANE Select); the canonical splice donor site of the intron after coding-DNA position 681, G replaced by A.
Molecular consequence: splice donor variant.
Genome position (GRCh38, 1-based): chr1:108,898,766, G>A. VCF-style: chr1-108898766-G-A. GRCh37 (hg19) VCF-style: chr1-109441388-G-A.
Other names: c.681+1G>A (NM_001321038.2, NM_001321039.3).
Identifiers: ClinVar variation 2674617 (VCV002674617.1), dbSNP rs774168389, ClinGen allele CA982851.
Genomic context (GRCh38, chr1:108,898,766, plus strand): 5'-CTTGGAAACACACATTACCTCCTTGGCAACTTCAGGGATGCAGTTATAGCTCATGAGCAG[G>A]TACAGTGGAAAGCCTTGGAGCCAGATCATTTCCTCCATCAAAGTTCTGAACAGTGATTAG-3'

ClinVar aggregate classification (germline): Likely pathogenic (1 of 4 stars; one submission).

Conditions:
Chudley-McCullough syndrome (CMCS). Also called: DEAFNESS, SENSORINEURAL, WITH PARTIAL AGENESIS OF THE CORPUS CALLOSUM AND ARACHNOID CYSTS; Deafness, autosomal recessive 82. Identifiers: Orphanet 314597, MedGen C1858695, MONDO:0011411, OMIM 604213.

Allele frequency attached by ClinVar (database versions not stated): gnomAD exomes below 0.00001; ExAC 0.00001.
gnomAD v4.1: 1 of 1,614,002 alleles (0.000062%); highest among the groups gnomAD compares: Admixed American, 0.0017%; no homozygotes.

Submission:

Division Of Personalized Genomic Medicine, Columbia University Irving Medical Center
Classification: Likely pathogenic for Chudley-McCullough syndrome. Last evaluated: 2021-12-13. Review status: criteria provided, single submitter. Criteria: ACMG Guidelines, 2015. Collection method: clinical testing. Allele origin: germline. Inheritance: Autosomal recessive inheritance. Affected: yes. Observed: 1 compound heterozygote.
Comment: To the best of our knowledge, this variant has not been reported in the literature. However, it is a heterozygous canonical splice site variant, which is expected to affect splicing and results in a null effect. Homozygous or compound heterozygous loss-of-function variants in GPSM2 have been reported in patient cohorts with Chudley-McCullough syndrome (PMID: 22578326). This variant has been observed in the Genome Aggregation Database (gnomAD) at a very low frequency (1/251,398), indicating it is not a common benign variant in the populations represented in this database.

Literature cited by the submitters: PubMed 22578326.